The following is an entry in ClinVar:

ClinVar aggregate classification (germline): Uncertain significance. Review status: reviewed by expert panel (3 of 4 stars). 3 submissions from 3 submitters: Uncertain significance (1). 2 of the submissions do not count toward it. Last evaluated 2025-01-07.

Conditions:
Creatine transporter deficiency (CCDS1). Also called: Creatine Transporter (CRTR) Deficiency; Mental retardation , X-linked with seizures, short stature and midface hypoplasia; Mental retardation , X-linked, with creatine transport deficiency; X-linked creatine transporter deficiency; X-linked creatine deficiency syndrome; SLC6A8-Related Creatine Transporter Deficiency. Identifiers: Orphanet 52503, MedGen C1845862, MONDO:0010305, OMIM 300352.

Submissions (3):

ClinGen Cerebral Creatine Deficiency Syndromes Variant Curation Expert Panel, ClinGen
Classification: Uncertain significance for Creatine transporter deficiency. Last evaluated: 2025-01-07. Review status: reviewed by expert panel. Criteria: ClinGen_CCDS_ACMG_Specifications_SLC6A8_v1.1. Collection method: curation. Allele origin: germline. Inheritance: X-linked inheritance.
Comment: The NM_005629.4:c.1068C>T variant in SLC6A8 is a synonymous (silent) variant (p.Gly356=). To our knowledge, this variant has not been reported in the literature and no functional studies are available. This variant is absent in gnomAD v4.1.0. (PM2_Supporting). SpliceAI predicts no impact on splicing (score <0.2) and the nucleotide is poorly conserved (PhyloP score -0.67) (BP4, BP7). There is a ClinVar entry for this variant (Variation ID: 804100). In summary, this variant meets criteria to be classified as a variant of uncertain significance for creatine transporter deficiency. SLC6A8-specific ACMG/AMP criteria applied, as specified by the ClinGen CCDS VCEP (Specifications Version 1.1.0): PM2_Supporting, BP4, BP7. (Classification approved by the ClinGen Cerebral Creatine Deficiencies Variant Curation Expert Panel, Jan 7, 2025)

Labcorp Genetics (formerly Invitae), Labcorp
Classification: Likely benign for Creatine transporter deficiency. Last evaluated: 2023-02-11. Review status: criteria provided, single submitter. Criteria: Invitae Variant Classification Sherloc (09022015). Collection method: clinical testing. Allele origin: germline. Not counted in ClinVar's aggregate classification.

Mendelics
Classification: Uncertain significance for Creatine transporter deficiency. Last evaluated: 2019-05-28. Review status: criteria provided, single submitter. Criteria: Mendelics Assertion Criteria 2017. Collection method: clinical testing. Allele origin: unknown. Not counted in ClinVar's aggregate classification.

NM_005629.4(SLC6A8):c.1068C>T (p.Gly356=)

Gene: SLC6A8 (solute carrier family 6 member 8; plus strand). Cytogenetic location: Xq28.
Variant type: single nucleotide variant.
Coding change: c.1068C>T on transcript NM_005629.4 (MANE Select); coding-DNA position 1068, C replaced by T.
Protein change: p.Gly356=; no amino-acid change (glycine 356 retained).
Molecular consequence: synonymous variant.
Genome position (GRCh38, 1-based): chrX:153,693,513, C>T. VCF-style: chrX-153693513-C-T. GRCh37 (hg19) VCF-style: chrX-152958968-C-T.
Other names: NM_005629.4(SLC6A8):c.1068C>T; p.Gly356=; c.1038C>T, p.Gly346= (NM_001142805.2); c.723C>T, p.Gly241= (NM_001142806.1).
Identifiers: ClinVar variation 804100 (VCV000804100.5), dbSNP rs1603216989, ClinGen allele CA415085444.